The following is an entry in ClinVar:

ClinVar aggregate classification (germline): Likely pathogenic. Review status: criteria provided, single submitter (1 of 4 stars). 2 submissions from 2 submitters: Likely pathogenic (1). 1 of the submissions does not count toward it. Last evaluated 2025-09-23.

Conditions:
Cyclical neutropenia. Also called: Cyclic hematopoiesis; Cyclic Neutropenia. Identifiers: Orphanet 2686, MedGen C0221023, MONDO:0008090, OMIM 162800, HP:0040289. Disease mechanism: loss of function.
Neutropenia, severe congenital, 1, autosomal dominant. Identifiers: MedGen C1859966, MONDO:0042490, OMIM 202700.

Submissions (2):

Labcorp Genetics (formerly Invitae), Labcorp
Classification: Likely pathogenic for Neutropenia, severe congenital, 1, autosomal dominant; Cyclical neutropenia. Last evaluated: 2025-09-23. Review status: criteria provided, single submitter. Criteria: Invitae Variant Classification Sherloc (09022015). Collection method: clinical testing. Allele origin: germline.
Comment: This sequence change replaces leucine, which is neutral and non-polar, with phenylalanine, which is neutral and non-polar, at codon 206 of the ELANE protein (p.Leu206Phe). This variant is not present in population databases (gnomAD no frequency). This missense change has been observed in individuals with cyclic neutropenia (PMID: 10581030; internal data). ClinVar contains an entry for this variant (Variation ID: 16739). Invitae Evidence Modeling of protein sequence and biophysical properties (such as structural, functional, and spatial information, amino acid conservation, physicochemical variation, residue mobility, and thermodynamic stability) has been performed for this missense variant. However, the output from this modeling did not meet the statistical confidence thresholds required to predict the impact of this variant on ELANE protein function. This variant disrupts the p.Leu206 amino acid residue in ELANE. Other variant(s) that disrupt this residue have been observed in individuals with ELANE-related conditions (PMID: 23463630), which suggests that this may be a clinically significant amino acid residue. In summary, the currently available evidence indicates that the variant is pathogenic, but additional data are needed to prove that conclusively. Therefore, this variant has been classified as Likely Pathogenic.

OMIM
Classification: Pathogenic for CYCLIC NEUTROPENIA. Last evaluated: 1999-12-01. Review status: no assertion criteria provided. Collection method: literature only. Allele origin: germline. Not counted in ClinVar's aggregate classification.

Literature cited by the submitters: PubMed 10581030 (cited by Labcorp Genetics (formerly Invitae), Labcorp and OMIM); PubMed 23463630 (cited by Labcorp Genetics (formerly Invitae), Labcorp).

NM_001972.4(ELANE):c.618G>T (p.Leu206Phe)

Gene: ELANE (elastase, neutrophil expressed; plus strand). Cytogenetic location: 19p13.3.
Variant type: single nucleotide variant.
Coding change: c.618G>T on transcript NM_001972.4 (MANE Select); coding-DNA position 618, G replaced by T.
Protein change: p.Leu206Phe; replaces leucine 206 with phenylalanine.
Molecular consequence: missense variant.
Genome position (GRCh38, 1-based): chr19:855,978, G>T. VCF-style: chr19-855978-G-T. GRCh37 (hg19) VCF-style: chr19-855978-G-T.
Other names: L177F; c.618G>T (LRG_57t1); short protein forms L206F.
Identifiers: ClinVar variation 16739 (VCV000016739.2), dbSNP rs137854446, ClinGen allele CA281046.
Genomic context (GRCh38, chr19:855,978, plus strand): 5'-GCCTCGCAGTCCAGCTTCCCCACCTTGTCTGCCTCCACAGGGGGACTCCGGCAGCCCCTT[G>T]GTCTGCAACGGGCTAATCCACGGAATTGCCTCCTTCGTCCGGGGAGGCTGCGCCTCAGGG-3'
Protein context (NP_001963.1, residues 196-216): GVCFGDSGSP[Leu206Phe]VCNGLIHGIA